The following is an entry in ClinVar:

ClinVar aggregate classification (germline): Likely benign. Review status: criteria provided, single submitter (1 of 4 stars). 2 submissions from 2 submitters: Likely benign (1). 1 of the submissions does not count toward it. Last evaluated 2024-02-08.

Conditions:
MAD2L2-related disorder. Also called: MAD2L2-related condition.

Allele frequency attached by ClinVar (database versions not stated): gnomAD exomes 0.00001; ExAC 0.00002; gnomAD 0.00002; TOPMed 0.00002.
gnomAD v4.1: 20 of 1,612,788 alleles (0.0012%); highest among the groups gnomAD compares: African/African-American, 0.012%; no homozygotes.

Submissions (2):

Labcorp Genetics (formerly Invitae), Labcorp
Classification: Likely benign. Last evaluated: 2024-02-08. Review status: criteria provided, single submitter. Criteria: Invitae Variant Classification Sherloc (09022015). Collection method: clinical testing. Allele origin: germline.

PreventionGenetics, part of Exact Sciences
Classification: Likely benign for MAD2L2-related condition. Last evaluated: 2019-05-23. Review status: no assertion criteria provided. Collection method: clinical testing. Allele origin: germline. Not counted in ClinVar's aggregate classification.
Comment: This variant is classified as likely benign based on ACMG/AMP sequence variant interpretation guidelines (Richards et al. 2015 PMID: 25741868, with internal and published modifications).

NM_006341.4(MAD2L2):c.393C>T (p.Ser131=)

Gene: MAD2L2 (mitotic arrest deficient 2 like 2; minus strand). Cytogenetic location: 1p36.22.
Variant type: single nucleotide variant.
Coding change: c.393C>T on transcript NM_006341.4 (MANE Select); coding-DNA position 393, C replaced by T.
Protein change: p.Ser131=; no amino-acid change (serine 131 retained).
Molecular consequence: synonymous variant.
Genome position (GRCh38, 1-based): chr1:11,676,080, G>A on the plus strand (C>T on the coding strand, the complement: MAD2L2 is on the minus strand). VCF-style: chr1-11676080-G-A. GRCh37 (hg19) VCF-style: chr1-11736137-G-A.
Other names: c.393C>T, p.Ser131= (NM_001127325.2); c.393C>T (NM_001127325.1).
Identifiers: ClinVar variation 2900744 (VCV002900744.5), dbSNP rs764536092, ClinGen allele CA593758.
Genomic context (GRCh38, chr1:11,676,080, plus strand): 5'-GAAGAGAGGGTGGGGAGTGGACACACCTGGGGGGTTGTGGTCCAGGACGGCATCGCACAC[G>A]CTGATCTTCAGGATGAAGGCCCGGAGCAGCTGCTCCACATGAGACAACAGCGAGTCTGAG-3'
Protein context (NP_006332.3, residues 121-141): QLLRAFILKI[Ser131=]VCDAVLDHNP